The following continues an entry in ClinVar:

NM_000091.5(COL4A3):c.3312AAGTCCTGG[1] (p.1105SPG[1])

ClinVar aggregate classification (germline): Conflicting classifications of pathogenicity. Pathogenic (4); Likely pathogenic (10); Uncertain significance (4).

Submissions 10 to 19 of 19:

Blueprint Genetics
Classification: Likely pathogenic for COL4A3-related disorders. Last evaluated: 2024-08-27. Review status: criteria provided, single submitter. Criteria: ACMG Guidelines, 2015. Collection method: clinical testing. Allele origin: germline. Affected: yes. Observed: 5 variant alleles.

Labcorp Genetics (formerly Invitae), Labcorp
Classification: Uncertain significance. Last evaluated: 2024-04-13. Review status: criteria provided, single submitter. Criteria: Invitae Variant Classification Sherloc (09022015). Collection method: clinical testing. Allele origin: germline.
Comment: This variant, c.3321_3329del, results in the deletion of 3 amino acid(s) of the COL4A3 protein (p.Ser1108_Gly1110del), but otherwise preserves the integrity of the reading frame. This variant is present in population databases (rs756539994, gnomAD 0.01%). This variant has been observed in individuals with clinical features of Alport syndrome (PMID: 12028435; Invitae). This variant is also known as c.3321del9. ClinVar contains an entry for this variant (Variation ID: 553803). Experimental studies and prediction algorithms are not available or were not evaluated, and the functional significance of this variant is currently unknown. In summary, the available evidence is currently insufficient to determine the role of this variant in disease. Therefore, it has been classified as a Variant of Uncertain Significance.

Fulgent Genetics
Classification: Likely pathogenic for Autosomal dominant Alport syndrome; Hematuria, benign familial, 2; Alport syndrome 3b, autosomal recessive. Last evaluated: 2024-03-23. Review status: criteria provided, single submitter. Criteria: ACMG Guidelines, 2015. Collection method: clinical testing. Allele origin: germline.

Laboratory of Medical Genetics, National & Kapodistrian University of Athens
Classification: Likely pathogenic for Alport syndrome 3b, autosomal recessive. Last evaluated: 2024-02-01. Review status: criteria provided, single submitter. Criteria: ACMG Guidelines, 2015. Collection method: curation. Allele origin: germline. Affected: no.

Women's Health and Genetics/Laboratory Corporation of America, LabCorp
Classification: Uncertain significance. Last evaluated: 2023-12-07. Review status: criteria provided, single submitter. Criteria: LabCorp Variant Classification Summary - May 2015. Collection method: clinical testing. Allele origin: germline.
Comment: Variant summary: COL4A3 c.3321_3329delAAGTCCTGG (p.Ser1108_Gly1110del) results in an in-frame deletion that is predicted to remove three amino acids from the encoded protein. The variant allele was found at a frequency of 4.4e-05 in 249378 control chromosomes. This frequency is not significantly higher than estimated for a pathogenic variant in COL4A3 causing Alport Syndrome, Autosomal Recessive (4.4e-05 vs 0.0019), allowing no conclusion about variant significance. c.3321_3329delAAGTCCTGG has been reported in the literature as a non-informative genotype in individuals affected with microhematuria, proteinuria and other renal manifestations (example, Longo_2002, Frasca_2005, Zupan_2020). These report(s) do not provide unequivocal conclusions about association of the variant with Alport Syndrome, Autosomal Recessive. To our knowledge, no experimental evidence demonstrating an impact on protein function has been reported. The following publications have been ascertained in the context of this evaluation (PMID: 15618242, 36013122, 36292665, 12028435, 33233744). Seven submitters have cited clinical-significance assessments for this variant to ClinVar after 2014. Multiple submitters reported the variant with conflicting assessments (pathogenic/likely pathogenic, n=5; VUS, n=2). Based on the evidence outlined above, the variant was classified as uncertain significance.

Institute of Human Genetics Munich, TUM University Hospital
Classification: Likely pathogenic for Autosomal dominant Alport syndrome. Last evaluated: 2022-11-27. Review status: criteria provided, single submitter. Criteria: Classification criteria August 2017. Collection method: clinical testing. Allele origin: germline. Inheritance: Autosomal dominant inheritance. Affected: yes. Observed: 2 variant alleles.

Laboratory for Molecular Genetics, Institute of Pathology, Faculty of Medicine, University of Ljubljana
Classification: Pathogenic for Autosomal recessive Alport syndrome. Last evaluated: 2020-11-18. Review status: criteria provided, single submitter. Criteria: ACMG Guidelines, 2015. Collection method: clinical testing. Allele origin: germline. Inheritance: Autosomal recessive inheritance. Affected: yes. Observed: 1 heterozygote.

CeGaT Center for Human Genetics Tuebingen
Classification: Pathogenic. Last evaluated: 2017-05-01. Review status: criteria provided, single submitter. Criteria: CeGaT Center For Human Genetics Tuebingen Variant Classification Criteria Version 2. Collection method: clinical testing. Allele origin: germline. Affected: yes. Observed: 1 variant allele.

Juno Genomics, Hangzhou Juno Genomics, Inc
Classification: Likely pathogenic for Autosomal dominant Alport syndrome; Alport syndrome 3b, autosomal recessive; Hematuria, benign familial, 2. Review status: criteria provided, single submitter. Criteria: ACMG Guidelines, 2015. Collection method: clinical testing. Allele origin: germline.
Comment: Absent from controls (or at extremely low frequency if recessive) in Genome Aggregation Database.;Protein length changes due to in-frame deletions/insertions in a non-repeat region or stop-loss variants.;The prevalence of the variant in affected individuals is significantly increased compared to the prevalence in controls.;Co-segregation with disease in multiple affected family members.;Patient's phenotype or family history is highly specific for a disease with a single genetic etiology.

Bioscientia Institut fuer Medizinische Diagnostik GmbH, Sonic Healthcare
Classification: Likely pathogenic for Autosomal dominant Alport syndrome. Last evaluated: 2019-08-07. Review status: no assertion criteria provided. Collection method: clinical testing. Allele origin: germline. Affected: yes. Not counted in ClinVar's aggregate classification.

Literature cited by the submitters: PubMed 12028435 (cited by 6 submitters); PubMed 38214412 (cited by Centre de Génétique Humaine, Institut de Pathologie Et de Génétique and Myriad Genetics, Inc.); PubMed 38790222 (cited by Centre de Génétique Humaine, Institut de Pathologie Et de Génétique); PubMed 40044766 (cited by Centre de Génétique Humaine, Institut de Pathologie Et de Génétique); PubMed 41872207 (cited by Centre de Génétique Humaine, Institut de Pathologie Et de Génétique); PubMed 35759000 (cited by Myriad Genetics, Inc.); PubMed 40949880 (cited by Myriad Genetics, Inc.); PubMed 34178707 (cited by Victorian Clinical Genetics Services, Murdoch Childrens Research Institute); PubMed 15618242 (cited by Women's Health and Genetics/Laboratory Corporation of America, LabCorp); PubMed 33233744 (cited by Women's Health and Genetics/Laboratory Corporation of America, LabCorp); PubMed 36013122 (cited by Women's Health and Genetics/Laboratory Corporation of America, LabCorp); PubMed 36292665 (cited by Women's Health and Genetics/Laboratory Corporation of America, LabCorp).